The following is an entry in ClinVar:

NM_004168.4(SDHA):c.1739A>G (p.Tyr580Cys)

Gene: SDHA (succinate dehydrogenase complex flavoprotein subunit A; plus strand). Cytogenetic location: 5p15.33.
Variant type: single nucleotide variant.
Coding change: c.1739A>G on transcript NM_004168.4 (MANE Select); coding-DNA position 1739, A replaced by G.
Protein change: p.Tyr580Cys; replaces tyrosine 580 with cysteine.
Molecular consequence: missense variant. On other transcripts: intron variant (1).
Genome position (GRCh38, 1-based): chr5:251,413, A>G. VCF-style: chr5-251413-A-G. GRCh37 (hg19) VCF-style: chr5-251528-A-G.
Other names: c.1595A>G, p.Tyr532Cys (NM_001294332.2); c.1552-2980A>G (NM_001330758.2); short protein forms Y532C, Y580C.
Identifiers: ClinVar variation 819958 (VCV000819958.15), dbSNP rs372707443, ClinGen allele CA3173344.

ClinVar aggregate classification (germline): Uncertain significance. Review status: criteria provided, multiple submitters, no conflicts (2 of 4 stars). 3 submissions from 3 submitters: Uncertain significance (3). Last evaluated 2025-12-29.

Conditions:
Pheochromocytoma/paraganglioma syndrome 5. Also called: Paragangliomas 5; SDHA-Related Hereditary Paraganglioma-Pheochromocytoma Syndrome. Identifiers: Orphanet 29072, MedGen C3279992, MONDO:0013602, OMIM 614165.
Mitochondrial complex II deficiency, nuclear type 1. Also called: SUCCINATE CoQ REDUCTASE DEFICIENCY. Identifiers: Orphanet 3208, MedGen C5700310, MONDO:0100294, OMIM 252011.
Hereditary cancer-predisposing syndrome. Also called: Tumor predisposition; Hereditary neoplastic syndrome; Neoplastic Syndromes, Hereditary; Hereditary Cancer Syndrome. Identifiers: Orphanet 140162, MedGen C0027672, MeSH D009386, MONDO:0015356.

Allele frequency attached by ClinVar (database versions not stated): gnomAD exomes below 0.00001 and 0.00001; TOPMed below 0.00001; gnomAD 0.00001; ExAC 0.00002; ESP Exome Variant Server 0.00008; 1000 Genomes Project 30x 0.00016; 1000 Genomes Project 0.00020.
gnomAD v4.1: 7 of 1,613,940 alleles (0.00043%); highest among the groups gnomAD compares: African/African-American, 0.0053%; no homozygotes.

Submissions (3):

Labcorp Genetics (formerly Invitae), Labcorp
Classification: Uncertain significance for Pheochromocytoma/paraganglioma syndrome 5; Mitochondrial complex II deficiency, nuclear type 1. Last evaluated: 2025-12-29. Review status: criteria provided, single submitter. Criteria: Invitae Variant Classification Sherloc (09022015). Collection method: clinical testing. Allele origin: germline.
Comment: This sequence change replaces tyrosine, which is neutral and polar, with cysteine, which is neutral and slightly polar, at codon 580 of the SDHA protein (p.Tyr580Cys). This variant is present in population databases (rs372707443, gnomAD 0.02%). This variant has not been reported in the literature in individuals affected with SDHA-related conditions. ClinVar contains an entry for this variant (Variation ID: 819958). Invitae Evidence Modeling of protein sequence and biophysical properties (such as structural, functional, and spatial information, amino acid conservation, physicochemical variation, residue mobility, and thermodynamic stability) indicates that this missense variant is not expected to disrupt SDHA protein function with a negative predictive value of 95%. In summary, the available evidence is currently insufficient to determine the role of this variant in disease. Therefore, it has been classified as a Variant of Uncertain Significance.

Quest Diagnostics Nichols Institute San Juan Capistrano
Classification: Uncertain significance. Last evaluated: 2024-11-30. Review status: criteria provided, single submitter. Criteria: Quest Diagnostics criteria. Collection method: clinical testing. Allele origin: unknown.
Comment: The SDHA c.1739A>G (p.Tyr580Cys) variant has not been reported in individuals with SDHA-related conditions in the published literature. The frequency of this variant in the general population, 0.00016 (4/24832 chromosomes (Genome Aggregation Database)), is uninformative in the assessment of its pathogenicity. Analysis of this variant using bioinformatics tools for the prediction of the effect of amino acid changes on protein structure and function yielded predictions that this variant is benign. Based on the available information, we are unable to determine the clinical significance of this variant.

Ambry Genetics
Classification: Uncertain significance for Hereditary cancer-predisposing syndrome. Last evaluated: 2024-09-30. Review status: criteria provided, single submitter. Criteria: Ambry Variant Classification Scheme 2023. Collection method: clinical testing. Allele origin: germline.